The following is an entry in ClinVar:

ClinVar aggregate classification (germline): Likely pathogenic (1 of 4 stars; one submission).

Conditions:
Peroxisome biogenesis disorder, complementation group K (CGK). Identifiers: MedGen C1866257, MONDO:0800365.

Allele frequency attached by ClinVar (database versions not stated): gnomAD 0.00001.
gnomAD v4.1: 6 of 1,614,048 alleles (0.00037%); highest among the groups gnomAD compares: African/African-American, 0.0013%; no homozygotes.

Submission:

Labcorp Genetics (formerly Invitae), Labcorp
Classification: Likely pathogenic for Peroxisome biogenesis disorder, complementation group K. Last evaluated: 2024-09-26. Review status: criteria provided, single submitter. Criteria: Invitae Variant Classification Sherloc (09022015). Collection method: clinical testing. Allele origin: germline.
Comment: This sequence change affects a donor splice site in intron 4 of the PEX14 gene. It is expected to disrupt RNA splicing. Variants that disrupt the donor or acceptor splice site typically lead to a loss of protein function (PMID: 16199547), and loss-of-function variants in PEX14 are known to be pathogenic (PMID: 15146459, 18285423, 26627464). This variant is present in population databases (no rsID available, gnomAD 0.004%). This variant has not been reported in the literature in individuals affected with PEX14-related conditions. Algorithms developed to predict the effect of sequence changes on RNA splicing suggest that this variant may disrupt the consensus splice site. In summary, the currently available evidence indicates that the variant is pathogenic, but additional data are needed to prove that conclusively. Therefore, this variant has been classified as Likely Pathogenic.

Literature cited by the submitters: PubMed 16199547; PubMed 15146459; PubMed 18285423; PubMed 26627464.

NM_004565.3(PEX14):c.298+1G>C

Gene: PEX14 (peroxisomal biogenesis factor 14; plus strand). Cytogenetic location: 1p36.22.
Variant type: single nucleotide variant.
Coding change: c.298+1G>C on transcript NM_004565.3 (MANE Select); the canonical splice donor site of the intron after coding-DNA position 298, G replaced by C.
Molecular consequence: splice donor variant.
Genome position (GRCh38, 1-based): chr1:10,599,367, G>C. VCF-style: chr1-10599367-G-C. GRCh37 (hg19) VCF-style: chr1-10659424-G-C.
Identifiers: ClinVar variation 2967272 (VCV002967272.3), dbSNP rs1391484758, ClinGen allele CA338690561.